The following is an entry in ClinVar:

NM_007055.4(POLR3A):c.3840G>A (p.Met1280Ile)

Gene: POLR3A (RNA polymerase III subunit A; minus strand). Cytogenetic location: 10q22.3.
Variant type: single nucleotide variant.
Coding change: c.3840G>A on transcript NM_007055.4 (MANE Select); coding-DNA position 3840, G replaced by A.
Protein change: p.Met1280Ile; replaces methionine 1280 with isoleucine.
Molecular consequence: missense variant.
Genome position (GRCh38, 1-based): chr10:77,981,479, C>T on the plus strand (G>A on the coding strand, the complement: POLR3A is on the minus strand). VCF-style: chr10-77981479-C-T. GRCh37 (hg19) VCF-style: chr10-79741237-C-T.
Other names: short protein forms M1280I.
Identifiers: ClinVar variation 1472360 (VCV001472360.3), dbSNP rs773367121, ClinGen allele CA5570681.

ClinVar aggregate classification (germline): Uncertain significance (1 of 4 stars; one submission).

Allele frequency attached by ClinVar (database versions not stated): gnomAD 0.00001; gnomAD exomes 0.00001; ExAC 0.00002.

Submission:

Labcorp Genetics (formerly Invitae), Labcorp
Classification: Uncertain significance. Last evaluated: 2021-12-09. Review status: criteria provided, single submitter. Criteria: Invitae Variant Classification Sherloc (09022015). Collection method: clinical testing. Allele origin: germline.
Comment: This sequence change replaces methionine, which is neutral and non-polar, with isoleucine, which is neutral and non-polar, at codon 1280 of the POLR3A protein (p.Met1280Ile). This variant is present in population databases (rs773367121, gnomAD 0.003%). This variant has not been reported in the literature in individuals affected with POLR3A-related conditions. Algorithms developed to predict the effect of missense changes on protein structure and function (SIFT, PolyPhen-2, Align-GVGD) all suggest that this variant is likely to be tolerated. In summary, the available evidence is currently insufficient to determine the role of this variant in disease. Therefore, it has been classified as a Variant of Uncertain Significance.